The following is an entry in ClinVar:

ClinVar aggregate classification (germline): Uncertain significance (1 of 4 stars; one submission).

Submission:

GeneDx
Classification: Uncertain significance. Last evaluated: 2023-01-05. Review status: criteria provided, single submitter. Criteria: GeneDx Variant Classification Process June 2021. Collection method: clinical testing. Allele origin: germline. Affected: yes.
Comment: Not observed at significant frequency in large population cohorts (gnomAD); In silico analysis supports that this missense variant has a deleterious effect on protein structure/function; Has not been previously published as pathogenic or benign to our knowledge

NM_001099922.3(ALG13):c.3232C>T (p.Pro1078Ser)

Gene: ALG13 (ALG13 UDP-N-acetylglucosaminyltransferase subunit; plus strand). Cytogenetic location: Xq23.
Variant type: single nucleotide variant.
Coding change: c.3232C>T on transcript NM_001099922.3 (MANE Select); coding-DNA position 3232, C replaced by T.
Protein change: p.Pro1078Ser; replaces proline 1078 with serine.
Molecular consequence: missense variant. On other transcripts: non-coding transcript variant (1).
Genome position (GRCh38, 1-based): chrX:111,759,817, C>T. VCF-style: chrX-111759817-C-T. GRCh37 (hg19) VCF-style: chrX-111003045-C-T.
Other names: c.2998C>T, p.Pro1000Ser (NM_001257231.2); c.2683C>T, p.Pro895Ser (NM_001257234.2, NM_001257237.2, NM_001257230.2); c.2995C>T, p.Pro999Ser (NM_001324292.2); c.2509C>T, p.Pro837Ser (NM_001324293.1); short protein forms P1000S, P1078S, P837S, P895S, P999S.
Identifiers: ClinVar variation 2571747 (VCV002571747.1), dbSNP rs2526595124, ClinGen allele CA414293261.